The following is an entry in ClinVar:

ClinVar aggregate classification (germline): Uncertain significance (1 of 4 stars; one submission).

gnomAD v4.1: 4 of 1,468,312 alleles (0.00027%); highest among the groups gnomAD compares: Non-Finnish European, 0.00036%; no homozygotes.

Submission:

Ambry Genetics
Classification: Uncertain significance. Last evaluated: 2025-03-22. Review status: criteria provided, single submitter. Criteria: Ambry Variant Classification Scheme 2023. Collection method: clinical testing. Allele origin: germline.
Comment: The p.R59T variant (also known as c.176G>C), located in coding exon 1 of the PALLD gene, results from a G to C substitution at nucleotide position 176. The arginine at codon 59 is replaced by threonine, an amino acid with similar properties. This amino acid position is conserved. In addition, this alteration is predicted to be tolerated by in silico analysis. Based on the available evidence, the clinical significance of this variant remains unclear.

NM_001166108.2(PALLD):c.1965-12855G>C

Gene: PALLD (palladin, cytoskeletal associated protein; plus strand). Cytogenetic location: 4q32.3.
Variant type: single nucleotide variant.
Coding change: c.1965-12855G>C on transcript NM_001166108.2 (MANE Select); 12855 bases into the intron before coding-DNA position 1965, G replaced by C.
Molecular consequence: intron variant. On other transcripts: missense variant (1).
Genome position (GRCh38, 1-based): chr4:168,878,067, G>C. VCF-style: chr4-168878067-G-C. GRCh37 (hg19) VCF-style: chr4-169799218-G-C.
Other names: c.176G>C, p.Arg59Thr (NM_001166110.2); c.1965-12855G>C (NM_016081.4); c.819-12855G>C (NM_001166109.2); c.-157-12855G>C (NM_001367570.1, NM_001367568.1, NM_001367567.1 and 1 more transcripts); short protein forms R59T.
Identifiers: ClinVar variation 3927510 (VCV003927510.1).
Genomic context (GRCh38, chr4:168,878,067, plus strand): 5'-GCACGCCGGCCTCCAGCCCCAGCTCGTCCAGCCTCCCGTCGCCCATGTCCCCGACGCCGA[G>C]GCAGTTCGGCCGCGCCCCCGTGCCGCCCTTCGCGCAGCCCTTCGGCGCTGAGCCCGAGGC-3'